The following is an entry in ClinVar:

ClinVar aggregate classification (germline): Likely pathogenic (1 of 4 stars; one submission).

Submission:

Labcorp Genetics (formerly Invitae), Labcorp
Classification: Likely pathogenic. Last evaluated: 2021-05-04. Review status: criteria provided, single submitter. Criteria: Invitae Variant Classification Sherloc (09022015). Collection method: clinical testing. Allele origin: germline.
Comment: In summary, the currently available evidence indicates that the variant is pathogenic, but additional data are needed to prove that conclusively. Therefore, this variant has been classified as Likely Pathogenic. This variant disrupts the p.Ser78 amino acid residue in BCS1L. Other variant(s) that disrupt this residue have been determined to be pathogenic (PMID: 19508421, 18386115, 12215968, 12547234). This suggests that this residue is clinically significant, and that variants that disrupt this residue are likely to be disease-causing. Advanced modeling of protein sequence and biophysical properties (such as structural, functional, and spatial information, amino acid conservation, physicochemical variation, residue mobility, and thermodynamic stability) performed at Invitae indicates that this missense variant is expected to disrupt BCS1L protein function. This variant has not been reported in the literature in individuals with BCS1L-related conditions. This variant is not present in population databases (ExAC no frequency). This sequence change replaces serine with isoleucine at codon 78 of the BCS1L protein (p.Ser78Ile). The serine residue is highly conserved and there is a large physicochemical difference between serine and isoleucine.

Literature cited by the submitters: PubMed 19508421; PubMed 18386115; PubMed 12215968; PubMed 12547234.

NM_001079866.2(BCS1L):c.233G>T (p.Ser78Ile)

Gene: BCS1L (BCS1 ubiquinol-cytochrome c reductase complex chaperone; plus strand). Cytogenetic location: 2q35.
Variant type: single nucleotide variant.
Coding change: c.233G>T on transcript NM_001079866.2 (MANE Select); coding-DNA position 233, G replaced by T.
Protein change: p.Ser78Ile; replaces serine 78 with isoleucine.
Molecular consequence: missense variant. On other transcripts: 5 prime UTR variant (5), non-coding transcript variant (1), intron variant (3).
Genome position (GRCh38, 1-based): chr2:218,661,220, G>T. VCF-style: chr2-218661220-G-T. GRCh37 (hg19) VCF-style: chr2-219525943-G-T.
Other names: c.233G>T, p.Ser78Ile (NM_001257342.2, NM_001257343.2, NM_001257344.2 and 10 more transcripts); c.-244G>T (NM_001371453.1, NM_001371454.1, NM_001371455.1 and 2 more transcripts); c.-40-186G>T (NM_001371451.1, NM_001318836.2); c.-41-539G>T (NM_001371452.1); short protein forms S78I.
Identifiers: ClinVar variation 1466631 (VCV001466631.8), dbSNP rs2106322191, ClinGen allele CA350625907.